The following is an entry in ClinVar:

ClinVar aggregate classification (germline): Uncertain significance (1 of 4 stars; one submission).

Submission:

Labcorp Genetics (formerly Invitae), Labcorp
Classification: Uncertain significance. Last evaluated: 2025-10-02. Review status: criteria provided, single submitter. Criteria: Invitae Variant Classification Sherloc (09022015). Collection method: clinical testing. Allele origin: germline.
Comment: This variant, c.184_186del, results in the deletion of 1 amino acid(s) of the CRAT protein (p.Glu62del), but otherwise preserves the integrity of the reading frame. This variant is present in population databases (rs763651233, gnomAD 0.003%). This variant has not been reported in the literature in individuals affected with CRAT-related conditions. Experimental studies and prediction algorithms are not available or were not evaluated, and the functional significance of this variant is currently unknown. In summary, the available evidence is currently insufficient to determine the role of this variant in disease. Therefore, it has been classified as a Variant of Uncertain Significance.

NM_000755.5(CRAT):c.178GAG[2] (p.Glu62del)

Gene: CRAT (carnitine O-acetyltransferase; minus strand). Cytogenetic location: 9q34.11.
Variant type: Microsatellite.
Coding change: c.178GAG[2] on transcript NM_000755.5 (MANE Select); two copies in a row of the 3-base unit GAG starting at c.178; the reference has three copies in a row; one copy, 3 bases deleted.
Protein change: p.Glu62del; deletes glutamic acid 62.
Molecular consequence: inframe deletion. On other transcripts: intron variant (1).
Genome position (GRCh38, 1-based): chr9:129,107,919-129,107,921, CTC deleted on the plus strand (GAG on the coding strand, the reverse complement: CRAT is on the minus strand); deleting any 3 consecutive bases within chr9:129,107,919-129,107,927 gives the same sequence; the position shown is the placement nearest the transcript's 3' end. VCF-style (leftmost placement, unchanged base first): chr9-129107918-ACTC-A. GRCh37 (hg19) VCF-style: chr9-131870197-ACTC-A.
Other names: c.115GAG[2], p.Glu41del (NM_001257363.3, NM_001346548.2, NM_004003.4); c.181GAG[2], p.Glu63del (NM_001346546.2); c.178GAG[2], p.Glu62del (NM_001346547.2); c.171+7GAG[2] (NM_001346549.2); short protein forms E41del, E62del, E63del.
Identifiers: ClinVar variation 2419252 (VCV002419252.6), dbSNP rs763651233, ClinGen allele CA5275858.